The following is an entry in ClinVar:

NM_052989.3(IFT122):c.183T>G (p.Tyr61Ter)

Gene: IFT122 (intraflagellar transport 122; plus strand). Cytogenetic location: 3q21.3.
Variant type: single nucleotide variant.
Coding change: c.183T>G on transcript NM_052989.3 (MANE Select); coding-DNA position 183, T replaced by G.
Protein change: p.Tyr61Ter; replaces tyrosine 61 with a stop codon.
Molecular consequence: nonsense. On other transcripts: 5 prime UTR variant (2).
Genome position (GRCh38, 1-based): chr3:129,451,988, T>G. VCF-style: chr3-129451988-T-G. GRCh37 (hg19) VCF-style: chr3-129170831-T-G.
Other names: c.183T>G, p.Tyr61Ter (NM_001280541.2, NM_018262.4, NM_052985.4 and 1 more transcripts); c.-419T>G (NM_001280545.2); c.-189T>G (NM_001280546.2); short protein forms Y61*.
Identifiers: ClinVar variation 419260 (VCV000419260.2), dbSNP rs373836204, ClinGen allele CA16617823.
Genomic context (GRCh38, chr3:129,451,988, plus strand): 5'-TGATGGCACCTTACTTCAGCCCCTCAAGGGACACAAAGACACTGTGTACTGTGTGGCATA[T>G]GCGAAGGATGGTAAAAGGCTGCTCTGGGTTTCCATTCTCTATAATAGCCTCATCATTGTT-3'

ClinVar aggregate classification (germline): Pathogenic (1 of 4 stars; one submission).

Submission:

GeneDx
Classification: Pathogenic. Last evaluated: 2015-07-20. Review status: criteria provided, single submitter. Criteria: GeneDx Variant Classification (06012015). Collection method: clinical testing. Allele origin: germline. Affected: yes.
Comment: The Y61X variant in the IFT122 gene has not been reported previously as a pathogenic variant noras a benign polymorphism, to our knowledge. This variant is predicted to cause loss of normal proteinfunction either through protein truncation or nonsense-mediated mRNA decay. The Y61X variant wasnot observed in approximately 6,500 individuals of European and African American ancestry in the NHLBIExome Sequencing Project, indicating it is not a common benign variant in these populations. We interpretY61X as a pathogenic variant.